The following is an entry in ClinVar:

NC_000002.11:g.(?_200173463)_(200320760_?)del

Gene: SATB2 (SATB homeobox 2; minus strand). Cytogenetic location: 2q33.1.
Variant type: Deletion.
Identifiers: ClinVar variation 2426107 (VCV002426107.3).

ClinVar aggregate classification (germline): Pathogenic (1 of 4 stars; one submission).

Conditions:
Chromosome 2q32-q33 deletion syndrome (GLASS). Also called: 2q33.1 deletion syndrome; Glass syndrome. Identifiers: Orphanet 251019, MedGen C2676739, MONDO:0012864, OMIM 612313.

Submission:

Labcorp Genetics (formerly Invitae), Labcorp
Classification: Pathogenic for Chromosome 2q32-q33 deletion syndrome. Last evaluated: 2022-05-25. Review status: criteria provided, single submitter. Criteria: Invitae Variant Classification Sherloc (09022015). Collection method: clinical testing. Allele origin: germline.
Comment: This variant is a gross deletion of the genomic region encompassing exon(s) 3-11 of the SATB2 gene, which includes the initiator codon. This deletion extends beyond the assayed region for this gene and therefore may encompass additional genes. It is expected to result in an absent or disrupted protein product. Loss-of-function variants in SATB2 are known to be pathogenic (PMID: 25885067). This variant has not been reported in the literature in individuals affected with SATB2-related conditions. For these reasons, this variant has been classified as Pathogenic.

Literature cited by the submitters: PubMed 25885067.